The following is an entry in ClinVar:

NM_012193.4(FZD4):c.1250G>A (p.Arg417Gln)

Genes: FZD4 (frizzled class receptor 4; minus strand), PRSS23 (serine protease 23; plus strand). Cytogenetic location: 11q14.2.
Variant type: single nucleotide variant.
Coding change: c.1250G>A on transcript NM_012193.4 (MANE Select); coding-DNA position 1250, G replaced by A.
Protein change: p.Arg417Gln; replaces arginine 417 with glutamine.
Molecular consequence: missense variant. On other transcripts: non-coding transcript variant (2).
Genome position (GRCh38, 1-based): chr11:86,951,506, C>T on the plus strand (G>A on the coding strand, the complement: FZD4 is on the minus strand). VCF-style: chr11-86951506-C-T. GRCh37 (hg19) VCF-style: chr11-86662548-C-T.
Other names: c.1250G>A (NM_012193.3); short protein forms R417Q.
Identifiers: ClinVar variation 5486 (VCV000005486.3), dbSNP rs80358294, ClinGen allele CA117551.

ClinVar aggregate classification (germline): Pathogenic/Likely pathogenic. Review status: criteria provided, multiple submitters, no conflicts (2 of 4 stars). 4 submissions from 3 submitters: Pathogenic (1); Likely pathogenic (1). 2 of the submissions do not count toward it. Last evaluated 2025-12-17.

Conditions:
FZD4-related disorder. Also called: FZD4-related condition.
Exudative vitreoretinopathy 1 (EVR1). Also called: CRISWICK-SCHEPENS SYNDROME; FEVR, AUTOSOMAL DOMINANT; Familial exudative vitreoretinopathy, autosomal dominant. Identifiers: Orphanet 891, Orphanet 90050, MedGen C1851402, MONDO:0007589, OMIM 133780.
Exudative vitreoretinopathy, digenic. Identifiers: MedGen C1858262.

Allele frequency attached by ClinVar (database versions not stated): gnomAD exomes below 0.00001 and 0.00001; TOPMed below 0.00001.
gnomAD v4.1: 5 of 1,614,092 alleles (0.00031%); highest among the groups gnomAD compares: Middle Eastern, 0.016%; no homozygotes.

Submissions (4):

PreventionGenetics, part of Exact Sciences
Classification: Likely pathogenic for FZD4-related condition. Last evaluated: 2025-12-17. Review status: criteria provided, single submitter. Criteria: ACMG Guidelines, 2015. Collection method: clinical testing. Allele origin: germline.
Comment: The FZD4 c.1250G>A variant is predicted to result in the amino acid substitution p.Arg417Gln. This variant has been reported in individuals with familial exudative vitreoretinopathy (FEVR; see for example: Kondo et al. 2003. PubMed ID: 14507768). An alternate nucleotide change impacting this amino acid position (p.Arg417Trp) has been reported in an individual with FZD4-related FEVR (Ju et al. 2024. PubMed ID: 38280677). This variant has been shown to reduce protein activity (33% of wildtype; Qin et al. 2008. PubMed ID: 17955262). This variant is reported in 0.0033% of alleles in individuals of South Asian descent in gnomAD. This variant is interpret as likely pathogenic.

Labcorp Genetics (formerly Invitae), Labcorp
Classification: Pathogenic. Last evaluated: 2025-10-09. Review status: criteria provided, single submitter. Criteria: Invitae Variant Classification Sherloc (09022015). Collection method: clinical testing. Allele origin: germline.
Comment: This sequence change replaces arginine, which is basic and polar, with glutamine, which is neutral and polar, at codon 417 of the FZD4 protein (p.Arg417Gln). This variant is present in population databases (rs80358294, gnomAD 0.003%). This missense change has been observed in individual(s) with exudative vitreoretinopathy (PMID: 14507768, 18161623, 36411543). It has also been observed to segregate with disease in related individuals. ClinVar contains an entry for this variant (Variation ID: 5486). Invitae Evidence Modeling of protein sequence and biophysical properties (such as structural, functional, and spatial information, amino acid conservation, physicochemical variation, residue mobility, and thermodynamic stability) indicates that this missense variant is not expected to disrupt FZD4 protein function with a negative predictive value of 80%. For these reasons, this variant has been classified as Pathogenic.

OMIM
Classification: Pathogenic for EXUDATIVE VITREORETINOPATHY 1. Last evaluated: 2005-08-01. Review status: no assertion criteria provided. Collection method: literature only. Allele origin: germline. Not counted in ClinVar's aggregate classification.

OMIM
Classification: Pathogenic for EXUDATIVE VITREORETINOPATHY, DIGENIC. Last evaluated: 2005-08-01. Review status: no assertion criteria provided. Collection method: literature only. Allele origin: germline. Not counted in ClinVar's aggregate classification.

Literature cited by the submitters: PubMed 14507768 (cited by Labcorp Genetics (formerly Invitae), Labcorp and OMIM); PubMed 18161623 (cited by Labcorp Genetics (formerly Invitae), Labcorp); PubMed 36411543 (cited by Labcorp Genetics (formerly Invitae), Labcorp); PubMed 15981244 (cited by OMIM).